The following is an entry in ClinVar:

NM_006514.4(SCN10A):c.4882A>G (p.Ser1628Gly)

Gene: SCN10A (sodium voltage-gated channel alpha subunit 10; minus strand). Cytogenetic location: 3p22.2.
Variant type: single nucleotide variant.
Coding change: c.4882A>G on transcript NM_006514.4 (MANE Select); coding-DNA position 4882, A replaced by G.
Protein change: p.Ser1628Gly; replaces serine 1628 with glycine.
Molecular consequence: missense variant.
Genome position (GRCh38, 1-based): chr3:38,698,338, T>C on the plus strand (A>G on the coding strand, the complement: SCN10A is on the minus strand). VCF-style: chr3-38698338-T-C. GRCh37 (hg19) VCF-style: chr3-38739829-T-C.
Other names: c.4879A>G, p.Ser1627Gly (NM_001293306.2); c.4588A>G, p.Ser1530Gly (NM_001293307.2); short protein forms S1530G, S1627G, S1628G.
Identifiers: ClinVar variation 2662713 (VCV002662713.1), dbSNP rs2470554468, ClinGen allele CA352155280.
Genomic context (GRCh38, chr3:38,698,338, plus strand): 5'-CGAAGGTCTGGAAGTTGAACATGTCGTCGATGCCAGCCTCCCACCTCACATGGGGAAAGC[T>C]GGACATACCGAAGATAGAGTAGATGAACATGACAAGGAATAGCAACAGCCCGATGTTGAA-3'
Protein context (NP_006505.4, residues 1618-1638): MFIYSIFGMS[Ser1628Gly]FPHVRWEAGI

ClinVar aggregate classification (germline): Uncertain significance (1 of 4 stars; one submission).

Allele frequency attached by ClinVar (database versions not stated): gnomAD exomes below 0.00001.
gnomAD v4.1: 5 of 1,613,970 alleles (0.00031%); highest among the groups gnomAD compares: South Asian, 0.0011%; no homozygotes.

Submission:

GeneDx
Classification: Uncertain significance. Last evaluated: 2023-04-18. Review status: criteria provided, single submitter. Criteria: GeneDx Variant Classification Process June 2021. Collection method: clinical testing. Allele origin: germline. Affected: yes.
Comment: Not observed at significant frequency in large population cohorts (gnomAD); In silico analysis supports that this missense variant does not alter protein structure/function; Has not been previously published as pathogenic or benign to our knowledge